The following is an entry in ClinVar:

ClinVar aggregate classification (germline): Likely pathogenic (1 of 4 stars; one submission).

Conditions:
Deficiency of steroid 11-beta-monooxygenase (CYP11B1). Also called: P450C11B1 DEFICIENCY; STEROID 11-BETA-HYDROXYLASE DEFICIENCY; Congenital adrenal hyperplasia due to 11-beta-hydroxylase deficiency; ADRENAL HYPERPLASIA, CONGENITAL, DUE TO STEROID 11-BETA-HYDROXYLASE DEFICIENCY; 11-BETA-HYDROXYLASE DEFICIENCY; ADRENAL HYPERPLASIA IV. Identifiers: Orphanet 90795, MedGen C0268292, MONDO:0008729, OMIM 202010. Disease mechanism: loss of function.

Submission:

Myriad Genetics, Inc.
Classification: Likely pathogenic for Deficiency of steroid 11-beta-monooxygenase. Last evaluated: 2022-04-23. Review status: criteria provided, single submitter. Criteria: Myriad Women's Health Autosomal Recessive and X-Linked Classification Criteria (2021). Collection method: clinical testing. Allele origin: unknown.
Comment: NM_000497.3(CYP11B1):c.937delG(A313Qfs*12) is expected to be pathogenic in the context of congenital adrenal hyperplasia, CYP11B1-related. This variant is predicted to lead to an abnormal or absent protein product due to the creation of a premature termination codon in CYP11B1, a gene where loss-of-function variants are known to be pathogenic. Please note: this variant was assessed in the context of healthy population screening.

NM_000497.4(CYP11B1):c.937del (p.Ala313fs)

Genes: CYP11B1 (cytochrome P450 family 11 subfamily B member 1; minus strand), LOC106799833 (CYP11B1 recombination region; plus strand). Cytogenetic location: 8q24.3.
Variant type: Deletion.
Coding change: c.937del on transcript NM_000497.4 (MANE Select); coding-DNA position 937, one base deleted (G; older notation c.937delG).
Protein change: p.Ala313fs; shifts the reading frame from alanine 313.
Molecular consequence: frameshift variant.
Genome position (GRCh38, 1-based): chr8:142,876,258, C deleted on the plus strand (G on the coding strand, the reverse complement: CYP11B1 is on the minus strand). VCF-style (leftmost placement, unchanged base first): chr8-142876257-GC-G. GRCh37 (hg19) VCF-style: chr8-143957673-GC-G.
Other names: c.937del, p.Ala313fs (NM_001026213.1); short protein forms A313fs.
Identifiers: ClinVar variation 1725957 (VCV001725957.2), dbSNP rs2488677362, ClinGen allele CA2580078651.